The following is an entry in ClinVar:

NM_001358530.2(MOCS1):c.690G>A (p.Leu230=)

Gene: MOCS1 (molybdenum cofactor synthesis 1; minus strand). Cytogenetic location: 6p21.2.
Variant type: single nucleotide variant.
Coding change: c.690G>A on transcript NM_001358530.2 (MANE Select); coding-DNA position 690, G replaced by A.
Protein change: p.Leu230=; no amino-acid change (leucine 230 retained).
Molecular consequence: synonymous variant. On other transcripts: non-coding transcript variant (1).
Genome position (GRCh38, 1-based): chr6:39,913,384, C>T on the plus strand (G>A on the coding strand, the complement: MOCS1 is on the minus strand). VCF-style: chr6-39913384-C-T. GRCh37 (hg19) VCF-style: chr6-39881128-C-T.
Other names: c.690G>A, p.Leu230= (NM_001075098.4, NM_001358529.2, NM_005943.6); c.429G>A, p.Leu143= (NM_001358531.2, NM_001358533.2, NM_001358534.2).
Identifiers: ClinVar variation 2131792 (VCV002131792.5), dbSNP rs775883522, ClinGen allele CA3796181.
Genomic context (GRCh38, chr6:39,913,384, plus strand): 5'-GGGCATATACTCTATGAAGCGCACATCCAGGGGGAGGCCCTCAGTCAAGGCCGCAAAGTC[C>T]AGGAGTTCATCCTCGTTAAGGCCTCGCATCACCACACAGTTCACCTGGCCGGGGAACAAT-3'
Protein context (NP_001345459.1, residues 220-240): VMRGLNEDEL[Leu230=]DFAALTEGLP

ClinVar aggregate classification (germline): Conflicting classifications of pathogenicity. Review status: criteria provided, conflicting classifications (1 of 4 stars). 2 submissions from 2 submitters: Uncertain significance (1); Likely benign (1). Last evaluated 2023-01-30.

Conditions:
Sulfite oxidase deficiency due to molybdenum cofactor deficiency type A. Also called: Molybdenum cofactor deficiency, complementation group A; Molybdenum Cofactor Deficiency A. Identifiers: Orphanet 308386, Orphanet 833, MedGen C1854988, MONDO:0009643, OMIM 252150.

Allele frequency attached by ClinVar (database versions not stated): ExAC 0.00001; gnomAD exomes 0.00001.
gnomAD v4.1: 12 of 1,614,200 alleles (0.00074%); highest among the groups gnomAD compares: Non-Finnish European, 0.00076%; no homozygotes.

Submissions (2):

Blueprint Genetics
Classification: Likely benign. Last evaluated: 2023-01-30. Review status: criteria provided, single submitter. Criteria: ACMG Guidelines, 2015. Collection method: clinical testing. Allele origin: germline.

Labcorp Genetics (formerly Invitae), Labcorp
Classification: Uncertain significance for Sulfite oxidase deficiency due to molybdenum cofactor deficiency type A. Last evaluated: 2022-05-14. Review status: criteria provided, single submitter. Criteria: Invitae Variant Classification Sherloc (09022015). Collection method: clinical testing. Allele origin: germline.
Comment: In summary, the available evidence is currently insufficient to determine the role of this variant in disease. Therefore, it has been classified as a Variant of Uncertain Significance. This variant has not been reported in the literature in individuals affected with MOCS1-related conditions. This variant is present in population databases (rs775883522, gnomAD 0.009%). This sequence change affects codon 230 of the MOCS1 mRNA. It is a 'silent' change, meaning that it does not change the encoded amino acid sequence of the MOCS1 protein.